The following is an entry in ClinVar:

NM_017780.4(CHD7):c.7447G>A (p.Glu2483Lys)

Gene: CHD7 (chromodomain helicase DNA binding protein 7; plus strand). Cytogenetic location: 8q12.2.
Variant type: single nucleotide variant.
Coding change: c.7447G>A on transcript NM_017780.4 (MANE Select); coding-DNA position 7447, G replaced by A.
Protein change: p.Glu2483Lys; replaces glutamic acid 2483 with lysine.
Molecular consequence: missense variant. On other transcripts: intron variant (1).
Genome position (GRCh38, 1-based): chr8:60,856,727, G>A. VCF-style: chr8-60856727-G-A. GRCh37 (hg19) VCF-style: chr8-61769286-G-A.
Other names: c.1717-5502G>A (NM_001316690.1); c.7447G>A (NM_017780.2); short protein forms E2483K.
Identifiers: ClinVar variation 95812 (VCV000095812.19), dbSNP rs398124323, ClinGen allele CA223327.

ClinVar aggregate classification (germline): Conflicting classifications of pathogenicity. Review status: criteria provided, conflicting classifications (1 of 4 stars). 4 submissions from 4 submitters: Uncertain significance (3); Likely benign (1). Last evaluated 2024-02-29.

Conditions:
Hypogonadotropic hypogonadism 5 with or without anosmia (KAL5). Also called: CHD7-Related GnRH Deficiency (Kallmann Syndrome 5); HYPOGONADOTROPIC HYPOGONADISM 5 WITH ANOSMIA; HYPOGONADOTROPHIC HYPOGONADISM 5 WITHOUT ANOSMIA. Identifiers: Orphanet 478, MedGen C3552553, MONDO:0012880, OMIM 612370. Disease mechanism: loss of function.
CHARGE syndrome (CHARGE). Also called: Hittner Hirsch Kreh syndrome; Coloboma, heart anomaly, choanal atresia, retardation, genital and ear anomalies; CHARGE association; Hall-Hittner syndrome; CHARGE ASSOCIATION--COLOBOMA, HEART ANOMALY, CHOANAL ATRESIA, RETARDATION, GENITAL AND EAR ANOMALIES. Identifiers: Orphanet 138, MedGen C0265354, MONDO:0008965.

Allele frequency attached by ClinVar (database versions not stated): gnomAD exomes below 0.00001 and 0.00001; ExAC 0.00001.

Submissions (4):

GeneDx
Classification: Uncertain significance. Last evaluated: 2024-02-29. Review status: criteria provided, single submitter. Criteria: GeneDx Variant Classification Process June 2021. Collection method: clinical testing. Allele origin: germline. Affected: yes.
Comment: Not observed at significant frequency in large population cohorts (gnomAD); In silico analysis supports that this missense variant does not alter protein structure/function; Has not been previously published as pathogenic or benign to our knowledge

Labcorp Genetics (formerly Invitae), Labcorp
Classification: Likely benign for CHARGE syndrome. Last evaluated: 2022-11-01. Review status: criteria provided, single submitter. Criteria: Invitae Variant Classification Sherloc (09022015). Collection method: clinical testing. Allele origin: germline.

Illumina Laboratory Services, Illumina
Classification: Uncertain significance for Kallmann Syndrome 5. Last evaluated: 2017-04-27. Review status: criteria provided, single submitter. Criteria: ICSL Variant Classification Criteria 13 December 2019. Collection method: clinical testing. Allele origin: germline.

Eurofins Ntd Llc (ga)
Classification: Uncertain significance. Last evaluated: 2013-03-15. Review status: criteria provided, single submitter. Criteria: EGL Classification Definitions 2015. Collection method: clinical testing. Allele origin: germline. Observed: 1 variant allele, 1 heterozygote.